The following is an entry in ClinVar:

ClinVar aggregate classification (germline): Uncertain significance (1 of 4 stars; one submission).

Conditions:
Glycine encephalopathy. Also called: Non-ketotic hyperglycinemia; Nonketotic hyperglycinemia. Identifiers: Orphanet 407, MedGen C0751748, MONDO:0011612, HP:0008288.

gnomAD v4.1: 1 of 1,613,470 alleles (0.000062%); highest among the groups gnomAD compares: Non-Finnish European, 0.000085%; no homozygotes.

Submission:

Labcorp Genetics (formerly Invitae), Labcorp
Classification: Uncertain significance for Glycine encephalopathy. Last evaluated: 2022-05-06. Review status: criteria provided, single submitter. Criteria: Invitae Variant Classification Sherloc (09022015). Collection method: clinical testing. Allele origin: germline.
Comment: In summary, the available evidence is currently insufficient to determine the role of this variant in disease. Therefore, it has been classified as a Variant of Uncertain Significance. Algorithms developed to predict the effect of missense changes on protein structure and function are either unavailable or do not agree on the potential impact of this missense change (SIFT: "Tolerated"; PolyPhen-2: "Possibly Damaging"; Align-GVGD: "Class C0"). This variant has not been reported in the literature in individuals affected with GLDC-related conditions. This variant is not present in population databases (gnomAD no frequency). This sequence change replaces alanine, which is neutral and non-polar, with serine, which is neutral and polar, at codon 892 of the GLDC protein (p.Ala892Ser).

NM_000170.3(GLDC):c.2674G>T (p.Ala892Ser)

Gene: GLDC (glycine decarboxylase; minus strand). Cytogenetic location: 9p24.1.
Variant type: single nucleotide variant.
Coding change: c.2674G>T on transcript NM_000170.3 (MANE Select); coding-DNA position 2674, G replaced by T.
Protein change: p.Ala892Ser; replaces alanine 892 with serine.
Molecular consequence: missense variant.
Genome position (GRCh38, 1-based): chr9:6,536,228, C>A on the plus strand (G>T on the coding strand, the complement: GLDC is on the minus strand). VCF-style: chr9-6536228-C-A. GRCh37 (hg19) VCF-style: chr9-6536228-C-A.
Other names: short protein forms A892S.
Identifiers: ClinVar variation 2120361 (VCV002120361.4), dbSNP rs146939116, ClinGen allele CA372883021.